The following is an entry in ClinVar:

NM_004656.4(BAP1):c.1439C>G (p.Thr480Arg)

Gene: BAP1 (BRCA1 associated deubiquitinase 1; minus strand). Cytogenetic location: 3p21.1.
Variant type: single nucleotide variant.
Coding change: c.1439C>G on transcript NM_004656.4 (MANE Select); coding-DNA position 1439, C replaced by G.
Protein change: p.Thr480Arg; replaces threonine 480 with arginine.
Molecular consequence: missense variant.
Genome position (GRCh38, 1-based): chr3:52,403,706, G>C on the plus strand (C>G on the coding strand, the complement: BAP1 is on the minus strand). VCF-style: chr3-52403706-G-C. GRCh37 (hg19) VCF-style: chr3-52437722-G-C.
Other names: short protein forms T480R.
Identifiers: ClinVar variation 819215 (VCV000819215.10), dbSNP rs752302472, ClinGen allele CA353101319.

ClinVar aggregate classification (germline): Uncertain significance. Review status: criteria provided, multiple submitters, no conflicts (2 of 4 stars). 2 submissions from 2 submitters: Uncertain significance (2). Last evaluated 2025-07-27.

Conditions:
Hereditary cancer-predisposing syndrome. Also called: Tumor predisposition; Hereditary neoplastic syndrome; Neoplastic Syndromes, Hereditary; Hereditary Cancer Syndrome. Identifiers: Orphanet 140162, MedGen C0027672, MeSH D009386, MONDO:0015356.
BAP1-related tumor predisposition syndrome (TPDS1). Also called: Tumor susceptibility linked to germline BAP1 mutations; BAP1 tumor predisposition syndrome; COMMON Syndrome; TUMOR PREDISPOSITION SYNDROME 1. Identifiers: Orphanet 289539, MedGen C3280492, MONDO:0013692, OMIM 614327.

Submissions (2):

Labcorp Genetics (formerly Invitae), Labcorp
Classification: Uncertain significance for BAP1-related tumor predisposition syndrome. Last evaluated: 2025-07-27. Review status: criteria provided, single submitter. Criteria: Invitae Variant Classification Sherloc (09022015). Collection method: clinical testing. Allele origin: germline.
Comment: This sequence change replaces threonine, which is neutral and polar, with arginine, which is basic and polar, at codon 480 of the BAP1 protein (p.Thr480Arg). This variant is not present in population databases (gnomAD no frequency). This variant has not been reported in the literature in individuals affected with BAP1-related conditions. ClinVar contains an entry for this variant (Variation ID: 819215). Invitae Evidence Modeling of protein sequence and biophysical properties (such as structural, functional, and spatial information, amino acid conservation, physicochemical variation, residue mobility, and thermodynamic stability) indicates that this missense variant is not expected to disrupt BAP1 protein function with a negative predictive value of 80%. In summary, the available evidence is currently insufficient to determine the role of this variant in disease. Therefore, it has been classified as a Variant of Uncertain Significance.

Ambry Genetics
Classification: Uncertain significance for Hereditary cancer-predisposing syndrome. Last evaluated: 2019-07-08. Review status: criteria provided, single submitter. Criteria: Ambry Variant Classification Scheme 2023. Collection method: clinical testing. Allele origin: germline.
Comment: The p.T480R variant (also known as c.1439C>G), located in coding exon 13 of the BAP1 gene, results from a C to G substitution at nucleotide position 1439. The threonine at codon 480 is replaced by arginine, an amino acid with similar properties. This amino acid position is not well conserved in available vertebrate species. In addition, this alteration is predicted to be tolerated by in silico analysis. Since supporting evidence is limited at this time, the clinical significance of this alteration remains unclear.